The following is an entry in ClinVar:

NM_178452.6(DNAAF1):c.141G>C (p.Lys47Asn)

Gene: DNAAF1 (dynein axonemal assembly factor 1; plus strand). Cytogenetic location: 16q24.1.
Variant type: single nucleotide variant.
Coding change: c.141G>C on transcript NM_178452.6 (MANE Select); coding-DNA position 141, G replaced by C.
Protein change: p.Lys47Asn; replaces lysine 47 with asparagine.
Molecular consequence: missense variant.
Genome position (GRCh38, 1-based): chr16:84,149,023, G>C. VCF-style: chr16-84149023-G-C. GRCh37 (hg19) VCF-style: chr16-84182628-G-C.
Other names: c.141G>C (NM_178452.5); short protein forms K47N.
Identifiers: ClinVar variation 696498 (VCV000696498.12), dbSNP rs186287554, ClinGen allele CA8202383.

ClinVar aggregate classification (germline): Likely benign. Review status: criteria provided, single submitter (1 of 4 stars). 2 submissions from 2 submitters: Likely benign (1). 1 of the submissions does not count toward it. Last evaluated 2026-01-02.

Conditions:
Primary ciliary dyskinesia. Also called: Ciliary dyskinesia. Identifiers: Orphanet 244, MedGen C0008780, MONDO:0016575, HP:0012265.
DNAAF1-related disorder. Also called: DNAAF1-related condition.

Allele frequency attached by ClinVar (database versions not stated): gnomAD 0.00006; gnomAD exomes 0.00006 and 0.00032; TOPMed 0.00017; 1000 Genomes Project 0.00020; ExAC 0.00026; 1000 Genomes Project 30x 0.00031.
gnomAD v4.1: 98 of 1,614,014 alleles (0.0061%); highest among the groups gnomAD compares: Admixed American, 0.16%; no homozygotes.

Submissions (2):

Labcorp Genetics (formerly Invitae), Labcorp
Classification: Likely benign for Primary ciliary dyskinesia. Last evaluated: 2026-01-02. Review status: criteria provided, single submitter. Criteria: Invitae Variant Classification Sherloc (09022015). Collection method: clinical testing. Allele origin: germline.

PreventionGenetics, part of Exact Sciences
Classification: Likely benign for DNAAF1-related condition. Last evaluated: 2022-05-25. Review status: no assertion criteria provided. Collection method: clinical testing. Allele origin: germline. Not counted in ClinVar's aggregate classification.
Comment: This variant is classified as likely benign based on ACMG/AMP sequence variant interpretation guidelines (Richards et al. 2015 PMID: 25741868, with internal and published modifications).